The following is an entry in ClinVar:

NM_032977.4(CASP10):c.605A>G (p.Asp202Gly)

Gene: CASP10 (caspase 10; plus strand). Cytogenetic location: 2q33.1.
Variant type: single nucleotide variant.
Coding change: c.605A>G on transcript NM_032977.4 (MANE Select); coding-DNA position 605, A replaced by G.
Protein change: p.Asp202Gly; replaces aspartic acid 202 with glycine.
Molecular consequence: missense variant.
Genome position (GRCh38, 1-based): chr2:201,195,869, A>G. VCF-style: chr2-201195869-A-G. GRCh37 (hg19) VCF-style: chr2-202060592-A-G.
Other names: c.605A>G, p.Asp202Gly (NM_001206524.2, NM_001206542.2, NM_001230.5 and 3 more transcripts); short protein forms D202G.
Identifiers: ClinVar variation 3253085 (VCV003253085.1), dbSNP rs2469395979.
Genomic context (GRCh38, chr2:201,195,869, plus strand): 5'-TTTTTATTTTTCTGTCTGTGATTTTATTTTCAGCTATCCAGATAGTGACACCTCCTGTAG[A>G]CAAGGAAGCCGAGTCGTATCAAGGAGAGGAAGAACTAGTTTCCCAAACAGATGTTAAGAC-3'
Protein context (NP_116759.2, residues 192-212): KAIQIVTPPV[Asp202Gly]KEAESYQGEE

ClinVar aggregate classification (germline): Uncertain significance (1 of 4 stars; one submission).

Submission:

GeneDx
Classification: Uncertain significance. Last evaluated: 2023-12-11. Review status: criteria provided, single submitter. Criteria: GeneDx Variant Classification Process June 2021. Collection method: clinical testing. Allele origin: germline. Affected: yes.
Comment: Not observed at significant frequency in large population cohorts (gnomAD); In silico analysis supports that this missense variant has a deleterious effect on protein structure/function; Has not been previously published as pathogenic or benign to our knowledge